The following is an entry in ClinVar:

NM_018685.5(ANLN):c.230T>A (p.Val77Glu)

Gene: ANLN (anillin, actin binding protein; plus strand). Cytogenetic location: 7p14.2.
Variant type: single nucleotide variant.
Coding change: c.230T>A on transcript NM_018685.5 (MANE Select); coding-DNA position 230, T replaced by A.
Protein change: p.Val77Glu; replaces valine 77 with glutamic acid.
Molecular consequence: missense variant.
Genome position (GRCh38, 1-based): chr7:36,399,136, T>A. VCF-style: chr7-36399136-T-A. GRCh37 (hg19) VCF-style: chr7-36438745-T-A.
Other names: c.230T>A, p.Val77Glu (NM_001284301.3, NM_001284302.3); c.230T>A (NM_018685.2); short protein forms V77E.
Identifiers: ClinVar variation 2983005 (VCV002983005.4), dbSNP rs766185452, ClinGen allele CA4219306.

ClinVar aggregate classification (germline): Uncertain significance. Review status: criteria provided, multiple submitters, no conflicts (2 of 4 stars). 2 submissions from 2 submitters: Uncertain significance (2). Last evaluated 2025-06-10.

Allele frequency attached by ClinVar (database versions not stated): gnomAD exomes below 0.00001; ExAC 0.00001; TOPMed 0.00001.
gnomAD v4.1: 5 of 1,614,140 alleles (0.00031%); highest among the groups gnomAD compares: African/African-American, 0.0027%; no homozygotes.

Submissions (2):

Ambry Genetics
Classification: Uncertain significance. Last evaluated: 2025-06-10. Review status: criteria provided, single submitter. Criteria: Ambry Variant Classification Scheme 2023. Collection method: clinical testing. Allele origin: germline.

Labcorp Genetics (formerly Invitae), Labcorp
Classification: Uncertain significance. Last evaluated: 2023-08-11. Review status: criteria provided, single submitter. Criteria: Invitae Variant Classification Sherloc (09022015). Collection method: clinical testing. Allele origin: germline.
Comment: Algorithms developed to predict the effect of missense changes on protein structure and function output the following: SIFT: "Not Available"; PolyPhen-2: "Benign"; Align-GVGD: "Not Available". The glutamic acid amino acid residue is found in multiple mammalian species, which suggests that this missense change does not adversely affect protein function. In summary, the available evidence is currently insufficient to determine the role of this variant in disease. Therefore, it has been classified as a Variant of Uncertain Significance. This sequence change replaces valine, which is neutral and non-polar, with glutamic acid, which is acidic and polar, at codon 77 of the ANLN protein (p.Val77Glu). This variant is present in population databases (rs766185452, gnomAD 0.0009%). This variant has not been reported in the literature in individuals affected with ANLN-related conditions.